The following is an entry in ClinVar:

NM_000059.4(BRCA2):c.755A>G (p.Asp252Gly)

Gene: BRCA2 (BRCA2 DNA repair associated; plus strand). Cytogenetic location: 13q13.1.
Variant type: single nucleotide variant.
Coding change: c.755A>G on transcript NM_000059.4 (MANE Select); coding-DNA position 755, A replaced by G.
Protein change: p.Asp252Gly; replaces aspartic acid 252 with glycine.
Molecular consequence: missense variant.
Genome position (GRCh38, 1-based): chr13:32,330,992, A>G. VCF-style: chr13-32330992-A-G. GRCh37 (hg19) VCF-style: chr13-32905129-A-G.
Other names: short protein forms D252G.
Identifiers: ClinVar variation 418629 (VCV000418629.8), dbSNP rs1064793332, ClinGen allele CA16619649.

ClinVar aggregate classification (germline): Conflicting classifications of pathogenicity. Review status: criteria provided, conflicting classifications (1 of 4 stars). 3 submissions from 3 submitters: Uncertain significance (2); Likely benign (1). Last evaluated 2025-04-01.

Conditions:
Hereditary breast ovarian cancer syndrome. Also called: Hereditary breast and ovarian cancer; Hereditary breast and/or ovarian cancer syndrome; Hereditary breast and ovarian cancer syndrome; Hereditary breast and ovarian cancer syndrome (HBOC); Breast and ovarian cancer; BRCA1- and BRCA2-Associated Hereditary Breast and Ovarian Cancer. Identifiers: Orphanet 145, MedGen C0677776, MeSH D061325, MONDO:0003582. Disease mechanism: loss of function.
Hereditary cancer-predisposing syndrome. Also called: Hereditary neoplastic syndrome; Tumor predisposition; Neoplastic Syndromes, Hereditary; Hereditary Cancer Syndrome. Identifiers: Orphanet 140162, MedGen C0027672, MeSH D009386, MONDO:0015356.

Submissions (3):

Ambry Genetics
Classification: Likely benign for Hereditary cancer-predisposing syndrome. Last evaluated: 2025-04-01. Review status: criteria provided, single submitter. Criteria: Ambry Variant Classification Scheme 2023. Collection method: clinical testing. Allele origin: germline.

Labcorp Genetics (formerly Invitae), Labcorp
Classification: Uncertain significance for Hereditary breast ovarian cancer syndrome. Last evaluated: 2021-11-19. Review status: criteria provided, single submitter. Criteria: Invitae Variant Classification Sherloc (09022015). Collection method: clinical testing. Allele origin: germline.
Comment: This sequence change replaces aspartic acid, which is acidic and polar, with glycine, which is neutral and non-polar, at codon 252 of the BRCA2 protein (p.Asp252Gly). This variant is not present in population databases (gnomAD no frequency). This variant has not been reported in the literature in individuals affected with BRCA2-related conditions. ClinVar contains an entry for this variant (Variation ID: 418629). Advanced modeling of protein sequence and biophysical properties (such as structural, functional, and spatial information, amino acid conservation, physicochemical variation, residue mobility, and thermodynamic stability) performed at Invitae indicates that this missense variant is not expected to disrupt BRCA2 protein function. In summary, the available evidence is currently insufficient to determine the role of this variant in disease. Therefore, it has been classified as a Variant of Uncertain Significance.

GeneDx
Classification: Uncertain significance. Last evaluated: 2015-03-06. Review status: criteria provided, single submitter. Criteria: GeneDx Variant Classification (06012015). Collection method: clinical testing. Allele origin: germline. Affected: yes.
Comment: This variant is denoted BRCA2 c.755A>G at the cDNA level, p.Asp252Gly (D252G) at the protein level, and results in the change of an Aspartic Acid to a Glycine (GAC>GGC). Using alternate nomenclature, this variant would be defined as BRCA2 983A>G. This variant has not, to our knowledge, been published in the literature as pathogenic or benign. BRCA2 Asp252Gly was not observed in approximately 6,500 individuals of European and African American ancestry in the NHLBI Exome Sequencing Project, indicating it is not a common benign variant in these populations. Since Aspartic Acid and Glycine differ in polarity, charge, size or other properties, this is considered a non-conservative amino acid substitution. BRCA2 Asp252Gly occurs at a position that is not conserved across species and is not located in a known functional domain (UniProt). In silico analyses predict that this variant is unlikely to alter protein structure or function. Based on currently available information, it is unclear whether BRCA2 Asp252Gly is pathogenic or benign. We consider it to be a variant of uncertain significance.